The following is an entry in ClinVar:

ClinVar aggregate classification (germline): Benign/Likely benign. Review status: criteria provided, multiple submitters, no conflicts (2 of 4 stars). 3 submissions from 3 submitters: Benign (1); Likely benign (1). 1 of the submissions does not count toward it. Last evaluated 2025-11-23.

Conditions:
Rubinstein-Taybi syndrome due to EP300 haploinsufficiency. Also called: EP300-Related Rubinstein-Taybi Syndrome; RUBINSTEIN-TAYBI SYNDROME 2. Identifiers: Orphanet 353284, Orphanet 783, MedGen C3150941, MONDO:0013364, OMIM 613684.
EP300-related disorder. Also called: EP300-related disorders; EP300-related condition.

Allele frequency attached by ClinVar (database versions not stated): ExAC 0.00004; ESP Exome Variant Server 0.00008; gnomAD 0.00026; TOPMed 0.00029.
gnomAD v4.1: 67 of 1,614,082 alleles (0.0042%); highest among the groups gnomAD compares: African/African-American, 0.084%; no homozygotes.

Submissions (3):

Labcorp Genetics (formerly Invitae), Labcorp
Classification: Benign for Rubinstein-Taybi syndrome due to EP300 haploinsufficiency. Last evaluated: 2025-11-23. Review status: criteria provided, single submitter. Criteria: Invitae Variant Classification Sherloc (09022015). Collection method: clinical testing. Allele origin: germline.

Blueprint Genetics
Classification: Likely benign. Last evaluated: 2024-01-18. Review status: criteria provided, single submitter. Criteria: ACMG Guidelines, 2015. Collection method: clinical testing. Allele origin: germline.

PreventionGenetics, part of Exact Sciences
Classification: Likely benign for EP300-related condition. Last evaluated: 2022-02-08. Review status: no assertion criteria provided. Collection method: clinical testing. Allele origin: germline. Not counted in ClinVar's aggregate classification.
Comment: This variant is classified as likely benign based on ACMG/AMP sequence variant interpretation guidelines (Richards et al. 2015 PMID: 25741868, with internal and published modifications).

NM_001429.4(EP300):c.6192C>A (p.Pro2064=)

Gene: EP300 (EP300 lysine acetyltransferase; plus strand). Cytogenetic location: 22q13.2.
Variant type: single nucleotide variant.
Coding change: c.6192C>A on transcript NM_001429.4 (MANE Select); coding-DNA position 6192, C replaced by A.
Protein change: p.Pro2064=; no amino-acid change (proline 2064 retained).
Molecular consequence: synonymous variant.
Genome position (GRCh38, 1-based): chr22:41,177,903, C>A. VCF-style: chr22-41177903-C-A. GRCh37 (hg19) VCF-style: chr22-41573907-C-A.
Other names: c.6192C>A (NM_001429.3); c.6114C>A, p.Pro2038= (NM_001362843.2).
Identifiers: ClinVar variation 2856372 (VCV002856372.6), dbSNP rs370889984, ClinGen allele CA10253795.